The following is an entry in ClinVar:

ClinVar aggregate classification (germline): Benign (1 of 4 stars; one submission).

Allele frequency attached by ClinVar (database versions not stated): ExAC 0.00044; gnomAD 0.00061; ESP Exome Variant Server 0.00077; gnomAD exomes 0.00085; TOPMed 0.00096; 1000 Genomes Project 0.00100; 1000 Genomes Project 30x 0.00109.
gnomAD v4.1: 1,314 of 1,613,876 alleles (0.081%); highest among the groups gnomAD compares: Non-Finnish European, 0.1%; 1 homozygote.

Submission:

CeGaT Center for Human Genetics Tuebingen
Classification: Benign. Last evaluated: 2022-08-01. Review status: criteria provided, single submitter. Criteria: CeGaT Center For Human Genetics Tuebingen Variant Classification Criteria Version 2. Collection method: clinical testing. Allele origin: germline. Affected: yes. Observed: 1 variant allele.
Comment: NUMA1: BP4, BS1, BS2

NM_006185.4(NUMA1):c.3313T>C (p.Ser1105Pro)

Gene: NUMA1 (nuclear mitotic apparatus protein 1; minus strand). Cytogenetic location: 11q13.4.
Variant type: single nucleotide variant.
Coding change: c.3313T>C on transcript NM_006185.4 (MANE Select); coding-DNA position 3313, T replaced by C.
Protein change: p.Ser1105Pro; replaces serine 1105 with proline.
Molecular consequence: missense variant.
Genome position (GRCh38, 1-based): chr11:72,014,190, A>G on the plus strand (T>C on the coding strand, the complement: NUMA1 is on the minus strand). VCF-style: chr11-72014190-A-G. GRCh37 (hg19) VCF-style: chr11-71725236-A-G.
Other names: c.3313T>C, p.Ser1105Pro (NM_001286561.2); short protein forms S1105P.
Identifiers: ClinVar variation 2642111 (VCV002642111.24), dbSNP rs142432519, ClinGen allele CA6167300.
Genomic context (GRCh38, chr11:72,014,190, plus strand): 5'-GTGCCTCCAGCTTGGGGCCTGTTGGCTCTGTCCTGCCAGCAGCCTCAGATTGGGCTCCTG[A>G]GCCAGATGCGTGCTCCTTTTCTTTCTTAGCCAGCTGTTCCTTCAGTTGCTTCACGGTTTG-3'
Protein context (NP_006176.2, residues 1095-1115): AKKEKEHASG[Ser1105Pro]GAQSEAAGRT